The following is an entry in ClinVar:

ClinVar aggregate classification (germline): Pathogenic (1 of 4 stars; one submission).

Conditions:
Hereditary diffuse gastric adenocarcinoma (HDGC). Also called: DIFFUSE GASTRIC AND LOBULAR BREAST CANCER SYNDROME. Identifiers: Orphanet 26106, MedGen C1708349, MONDO:0007648, OMIM 137215.

Submission:

Myriad Genetics, Inc.
Classification: Pathogenic for Hereditary diffuse gastric adenocarcinoma. Last evaluated: 2023-06-21. Review status: criteria provided, single submitter. Criteria: Myriad Autosomal Dominant, Autosomal Recessive and X-Linked Classification Criteria (2023). Collection method: clinical testing. Allele origin: unknown.
Comment: This variant is considered pathogenic. This variant creates a frameshift predicted to result in premature protein truncation.

NM_004360.5(CDH1):c.1386del (p.Phe462fs)

Gene: CDH1 (cadherin 1; plus strand). Cytogenetic location: 16q22.1.
Variant type: Deletion.
Coding change: c.1386del on transcript NM_004360.5 (MANE Select); coding-DNA position 1386, one base deleted (T; older notation c.1386delT).
Protein change: p.Phe462fs; shifts the reading frame from phenylalanine 462.
Molecular consequence: frameshift variant. On other transcripts: 5 prime UTR variant (2).
Genome position (GRCh38, 1-based): chr16:68,815,580, T deleted; the last of 4 consecutive T bases (chr16:68,815,577-68,815,580); deleting any one gives the same sequence. VCF-style (leftmost placement, unchanged base first): chr16-68815576-CT-C. GRCh37 (hg19) VCF-style: chr16-68849479-CT-C.
Other names: c.1203del, p.Phe401fs (NM_001317184.2); c.-163del (NM_001317185.2); c.-434del (NM_001317186.2); short protein forms F401fs, F462fs.
Identifiers: ClinVar variation 2583793 (VCV002583793.2), dbSNP rs2543930495, ClinGen allele CA645580167.
Genomic context (GRCh38, chr16:68,815,576, plus strand): 5'-GCTTGGATTTTGAGGCCAAGCAGCAGTACATTCTACACGTAGCAGTGACGAATGTGGTAC[CT>C]TTTGAGGTCTCTCTCACCACCTCCACAGCCACCGTCACCGTGGATGTGCTGGATGTGAAT-3'